The following is an entry in ClinVar:

ClinVar aggregate classification (germline): Uncertain significance (1 of 4 stars; one submission).

Conditions:
Microcephaly, normal intelligence and immunodeficiency (NBS). Also called: BERLIN BREAKAGE SYNDROME; Immunodeficiency, microcephaly with normal intelligence; Nijmegen breakage syndrome; Microcephaly with normal intelligence immunodeficiency and lymphoreticular malignancies; Nonsyndromal microcephaly autosomal recessive with normal intelligence; Seemanova syndrome 2. Identifiers: Orphanet 647, MedGen C0398791, MONDO:0009623, OMIM 251260.

Submission:

Labcorp Genetics (formerly Invitae), Labcorp
Classification: Uncertain significance for Microcephaly, normal intelligence and immunodeficiency. Last evaluated: 2021-05-26. Review status: criteria provided, single submitter. Criteria: Invitae Variant Classification Sherloc (09022015). Collection method: clinical testing. Allele origin: germline.
Comment: In summary, the available evidence is currently insufficient to determine the role of this variant in disease. Therefore, it has been classified as a Variant of Uncertain Significance. Algorithms developed to predict the effect of missense changes on protein structure and function (SIFT, PolyPhen-2, Align-GVGD) all suggest that this variant is likely to be tolerated, but these predictions have not been confirmed by published functional studies and their clinical significance is uncertain. This variant has not been reported in the literature in individuals with NBN-related conditions. This variant is not present in population databases (ExAC no frequency). This sequence change replaces valine with alanine at codon 346 of the NBN protein (p.Val346Ala). The valine residue is weakly conserved and there is a small physicochemical difference between valine and alanine.

NM_002485.5(NBN):c.1037T>C (p.Val346Ala)

Gene: NBN (nibrin; minus strand). Cytogenetic location: 8q21.3.
Variant type: single nucleotide variant.
Coding change: c.1037T>C on transcript NM_002485.5 (MANE Select); coding-DNA position 1037, T replaced by C.
Protein change: p.Val346Ala; replaces valine 346 with alanine.
Molecular consequence: missense variant.
Genome position (GRCh38, 1-based): chr8:89,958,812, A>G on the plus strand (T>C on the coding strand, the complement: NBN is on the minus strand). VCF-style: chr8-89958812-A-G. GRCh37 (hg19) VCF-style: chr8-90971040-A-G.
Other names: c.791T>C, p.Val264Ala (NM_001024688.3); short protein forms V346A, V264A.
Identifiers: ClinVar variation 1462642 (VCV001462642.8), dbSNP rs2129746243, ClinGen allele CA371656739.